The following is an entry in ClinVar:

NM_022114.4(PRDM16):c.1702G>A (p.Gly568Ser)

Gene: PRDM16 (PR/SET domain 16; plus strand). Cytogenetic location: 1p36.32.
Variant type: single nucleotide variant.
Coding change: c.1702G>A on transcript NM_022114.4 (MANE Select); coding-DNA position 1702, G replaced by A.
Protein change: p.Gly568Ser; replaces glycine 568 with serine.
Molecular consequence: missense variant.
Genome position (GRCh38, 1-based): chr1:3,411,899, G>A. VCF-style: chr1-3411899-G-A. GRCh37 (hg19) VCF-style: chr1-3328463-G-A.
Other names: c.1702G>A, p.Gly568Ser (NM_199454.3); short protein forms G568S.
Identifiers: ClinVar variation 3631662 (VCV003631662.2).

ClinVar aggregate classification (germline): Uncertain significance (1 of 4 stars; one submission).

Conditions:
Left ventricular noncompaction 8 (LVNC8). Identifiers: Orphanet 154, Orphanet 54260, MedGen C3809288, MONDO:0014152, OMIM 615373.

gnomAD v4.1: 11 of 1,613,658 alleles (0.00068%); highest among the groups gnomAD compares: East Asian, 0.0089%; no homozygotes.

Submission:

Labcorp Genetics (formerly Invitae), Labcorp
Classification: Uncertain significance for Left ventricular noncompaction 8. Last evaluated: 2024-12-18. Review status: criteria provided, single submitter. Criteria: Invitae Variant Classification Sherloc (09022015). Collection method: clinical testing. Allele origin: germline.
Comment: This sequence change replaces glycine, which is neutral and non-polar, with serine, which is neutral and polar, at codon 568 of the PRDM16 protein (p.Gly568Ser). This variant is present in population databases (rs763028317, gnomAD 0.02%). This variant has not been reported in the literature in individuals affected with PRDM16-related conditions. An algorithm developed to predict the effect of missense changes on protein structure and function outputs the following: PolyPhen-2: "Benign". The serine amino acid residue is found in multiple mammalian species, which suggests that this missense change does not adversely affect protein function. In summary, the available evidence is currently insufficient to determine the role of this variant in disease. Therefore, it has been classified as a Variant of Uncertain Significance.